The following is an entry in ClinVar:

ClinVar aggregate classification (germline): Conflicting classifications of pathogenicity. Review status: criteria provided, conflicting classifications (1 of 4 stars). 2 submissions from 2 submitters: Uncertain significance (1); Likely benign (1). Last evaluated 2021-12-23.

Conditions:
POLD1-related polyposis and colorectal cancer syndrome (CRCS10). Also called: Colorectal cancer, susceptibility to, 10; Colorectal cancer 10; COLORECTAL CANCER, SUSCEPTIBILITY TO, ON CHROMOSOME 19q. Identifiers: Orphanet 220460, MedGen C2675481, MONDO:0012953, OMIM 612591.

Submissions (2):

Labcorp Genetics (formerly Invitae), Labcorp
Classification: Likely benign for POLD1-related polyposis and colorectal cancer syndrome. Last evaluated: 2021-12-23. Review status: criteria provided, single submitter. Criteria: Invitae Variant Classification Sherloc (09022015). Collection method: clinical testing. Allele origin: germline.

GeneDx
Classification: Uncertain significance. Last evaluated: 2020-12-24. Review status: criteria provided, single submitter. Criteria: GeneDx Variant Classification Process June 2021. Collection method: clinical testing. Allele origin: germline. Affected: yes.
Comment: Not observed in large population cohorts (Lek et al., 2016); In silico analysis supports that this variant does not alter splicing; Has not been previously published as pathogenic or benign to our knowledge

NM_002691.4(POLD1):c.3068-5C>A

Gene: POLD1 (DNA polymerase delta 1, catalytic subunit; plus strand). Cytogenetic location: 19q13.33.
Variant type: single nucleotide variant.
Coding change: c.3068-5C>A on transcript NM_002691.4 (MANE Select); 5 bases into the intron before coding-DNA position 3068, C replaced by A.
Molecular consequence: intron variant.
Genome position (GRCh38, 1-based): chr19:50,417,040, C>A. VCF-style: chr19-50417040-C-A. GRCh37 (hg19) VCF-style: chr19-50920297-C-A.
Other names: c.3146-5C>A (NM_001308632.1); c.3068-5C>A (NM_001256849.1).
Identifiers: ClinVar variation 1313787 (VCV001313787.9), dbSNP rs759650325, ClinGen allele CA2573054822.